The following is an entry in ClinVar:

NM_004183.4(BEST1):c.684C>G (p.Asp228Glu)

Gene: BEST1 (bestrophin 1; plus strand). Cytogenetic location: 11q12.3.
Variant type: single nucleotide variant.
Coding change: c.684C>G on transcript NM_004183.4 (MANE Select); coding-DNA position 684, C replaced by G.
Protein change: p.Asp228Glu; replaces aspartic acid 228 with glutamic acid.
Molecular consequence: missense variant. On other transcripts: non-coding transcript variant (1).
Genome position (GRCh38, 1-based): chr11:61,957,434, C>G. VCF-style: chr11-61957434-C-G. GRCh37 (hg19) VCF-style: chr11-61724906-C-G.
Other names: c.504C>G, p.Asp168Glu (NM_001139443.3, NM_001300786.2, NM_001300787.2); c.366C>G, p.Asp122Glu (NM_001363591.3); c.684C>G, p.Asp228Glu (NM_001363592.2); c.-492C>G (NM_001363593.3); short protein forms D228E, D168E, D122E.
Identifiers: ClinVar variation 522450 (VCV000522450.9), dbSNP rs1431752515, ClinGen allele CA380838768.

ClinVar aggregate classification (germline): Pathogenic/Likely pathogenic. Review status: criteria provided, multiple submitters, no conflicts (2 of 4 stars). 5 submissions from 5 submitters: Pathogenic (1); Likely pathogenic (3). 1 of the submissions does not count toward it. Last evaluated 2024-09-18.

Conditions:
Retinal dystrophy. Also called: Inherited retinal dystrophy. Identifiers: Orphanet 71862, MedGen C0854723, MeSH D058499, MONDO:0019118, HP:0000556.
BEST1-related disorder. Also called: BEST1-related disorders; BEST1-related condition. Identifiers: MedGen CN239200.
Autosomal recessive bestrophinopathy. Also called: Autosomal Recessive Bestrophinopathy (ARB). Identifiers: Orphanet 139455, MedGen C3888198, MONDO:0012733, OMIM 611809.

Allele frequency attached by ClinVar (database versions not stated): gnomAD exomes below 0.00001.
gnomAD v4.1: 1 of 1,614,104 alleles (0.000062%); highest among the groups gnomAD compares: Non-Finnish European, 0.000085%; no homozygotes.

Submissions (5):

Labcorp Genetics (formerly Invitae), Labcorp
Classification: Likely pathogenic. Last evaluated: 2024-09-18. Review status: criteria provided, single submitter. Criteria: Invitae Variant Classification Sherloc (09022015). Collection method: clinical testing. Allele origin: germline.
Comment: This sequence change replaces aspartic acid, which is acidic and polar, with glutamic acid, which is acidic and polar, at codon 228 of the BEST1 protein (p.Asp228Glu). This variant is present in population databases (no rsID available, gnomAD 0.0009%). This missense change has been observed in individual(s) with autosomal dominant vitelliform macular dystrophy (PMID: 28559085). ClinVar contains an entry for this variant (Variation ID: 522450). Invitae Evidence Modeling of protein sequence and biophysical properties (such as structural, functional, and spatial information, amino acid conservation, physicochemical variation, residue mobility, and thermodynamic stability) indicates that this missense variant is expected to disrupt BEST1 protein function with a positive predictive value of 95%. This variant disrupts the p.Asp228 amino acid residue in BEST1. Other variant(s) that disrupt this residue have been determined to be pathogenic (PMID: 19853238, 29847639, 30718709; internal data). This suggests that this residue is clinically significant, and that variants that disrupt this residue are likely to be disease-causing. In summary, the currently available evidence indicates that the variant is pathogenic, but additional data are needed to prove that conclusively. Therefore, this variant has been classified as Likely Pathogenic.

Blueprint Genetics
Classification: Pathogenic for BEST1-related disorders. Last evaluated: 2024-05-07. Review status: criteria provided, single submitter. Criteria: ACMG Guidelines, 2015. Collection method: clinical testing. Allele origin: germline. Affected: yes. Observed: 5 variant alleles.

Institute of Medical Genetics and Applied Genomics, University Hospital Tübingen
Classification: Likely pathogenic. Last evaluated: 2020-10-23. Review status: criteria provided, single submitter. Criteria: ACMG Guidelines, 2015. Collection method: clinical testing. Allele origin: germline. Inheritance: Unknown mechanism. Affected: yes.

Institute of Human Genetics, Univ. Regensburg, Univ. Regensburg
Classification: Likely pathogenic for Retinal dystrophy. Last evaluated: 2013-01-01. Review status: criteria provided, single submitter. Criteria: ACMG Guidelines, 2015. Collection method: clinical testing. Allele origin: germline. Affected: yes.

Bioscientia Institut fuer Medizinische Diagnostik GmbH, Sonic Healthcare
Classification: Likely pathogenic for Autosomal recessive bestrophinopathy. Last evaluated: 2017-09-18. Review status: no assertion criteria provided. Collection method: clinical testing. Allele origin: germline. Affected: yes. Not counted in ClinVar's aggregate classification.

Literature cited by the submitters: PubMed 28559085 (cited by Labcorp Genetics (formerly Invitae), Labcorp); PubMed 19853238 (cited by Labcorp Genetics (formerly Invitae), Labcorp); PubMed 29847639 (cited by Labcorp Genetics (formerly Invitae), Labcorp); PubMed 30718709 (cited by Labcorp Genetics (formerly Invitae), Labcorp); PubMed 29555955 (cited by Institute of Human Genetics, Univ. Regensburg, Univ. Regensburg); PubMed 2855908 (cited by Institute of Human Genetics, Univ. Regensburg, Univ. Regensburg).